The following is an entry in ClinVar:

ClinVar aggregate classification (germline): Uncertain significance. Review status: criteria provided, multiple submitters, no conflicts (2 of 4 stars). 2 submissions from 2 submitters: Uncertain significance (2). Last evaluated 2021-11-01.

Conditions:
Familial hypocalciuric hypercalcemia (FHH). Also called: Familial benign hypercalcemia. Identifiers: Orphanet 405, MedGen C1809471, MONDO:0018458.
Autosomal dominant hypocalcemia 1 (HYPOC1). Also called: HYPOCALCEMIA, FAMILIAL. Identifiers: MedGen C3715128, MONDO:0011013, OMIM 601198.
Nephrolithiasis/nephrocalcinosis. Identifiers: MedGen CN580796.

gnomAD v4.1: 1 of 1,614,188 alleles (0.000062%); highest among the groups gnomAD compares: Admixed American, 0.0017%; no homozygotes.

Submissions (2):

Ambry Genetics
Classification: Uncertain significance for Nephrolithiasis/nephrocalcinosis. Last evaluated: 2021-11-01. Review status: criteria provided, single submitter. Criteria: Ambry Variant Classification Scheme 2023. Collection method: clinical testing. Allele origin: germline.
Comment: The p.H312Q variant (also known as c.936C>G), located in coding exon 3 of the CASR gene, results from a C to G substitution at nucleotide position 936. The histidine at codon 312 is replaced by glutamine, an amino acid with highly similar properties. This amino acid position is conserved. In addition, this alteration is predicted to be tolerated by in silico analysis. Since supporting evidence is limited at this time, the clinical significance of this alteration remains unclear.

Labcorp Genetics (formerly Invitae), Labcorp
Classification: Uncertain significance for Familial hypocalciuric hypercalcemia; Autosomal dominant hypocalcemia 1. Last evaluated: 2020-10-08. Review status: criteria provided, single submitter. Criteria: Invitae Variant Classification Sherloc (09022015). Collection method: clinical testing. Allele origin: germline.
Comment: This sequence change replaces histidine with glutamine at codon 312 of the CASR protein (p.His312Gln). The histidine residue is moderately conserved and there is a small physicochemical difference between histidine and glutamine. This variant is not present in population databases (ExAC no frequency). In summary, the available evidence is currently insufficient to determine the role of this variant in disease. Therefore, it has been classified as a Variant of Uncertain Significance. Algorithms developed to predict the effect of sequence changes on RNA splicing suggest that this variant may create or strengthen a splice site, but this prediction has not been confirmed by published transcriptional studies. Algorithms developed to predict the effect of missense changes on protein structure and function (SIFT, PolyPhen-2, Align-GVGD) all suggest that this variant is likely to be tolerated, but these predictions have not been confirmed by published functional studies and their clinical significance is uncertain. This variant has not been reported in the literature in individuals with CASR-related disease.

NM_000388.4(CASR):c.936C>G (p.His312Gln)

Gene: CASR (calcium sensing receptor; plus strand). Cytogenetic location: 3q21.1.
Variant type: single nucleotide variant.
Coding change: c.936C>G on transcript NM_000388.4 (MANE Select); coding-DNA position 936, C replaced by G.
Protein change: p.His312Gln; replaces histidine 312 with glutamine.
Molecular consequence: missense variant.
Genome position (GRCh38, 1-based): chr3:122,261,971, C>G. VCF-style: chr3-122261971-C-G. GRCh37 (hg19) VCF-style: chr3-121980818-C-G.
Other names: c.936C>G, p.His312Gln (NM_001178065.2); short protein forms H312Q.
Identifiers: ClinVar variation 580496 (VCV000580496.13), dbSNP rs1356911586, ClinGen allele CA354151675.